The following is an entry in ClinVar:

NM_147127.5(EVC2):c.2512T>C (p.Ser838Pro)

Gene: EVC2 (EvC ciliary complex subunit 2; minus strand). Cytogenetic location: 4p16.2.
Variant type: single nucleotide variant.
Coding change: c.2512T>C on transcript NM_147127.5 (MANE Select); coding-DNA position 2512, T replaced by C.
Protein change: p.Ser838Pro; replaces serine 838 with proline.
Molecular consequence: missense variant.
Genome position (GRCh38, 1-based): chr4:5,618,672, A>G on the plus strand (T>C on the coding strand, the complement: EVC2 is on the minus strand). VCF-style: chr4-5618672-A-G. GRCh37 (hg19) VCF-style: chr4-5620399-A-G.
Other names: c.2272T>C, p.Ser758Pro (NM_001166136.2); short protein forms S758P, S838P.
Identifiers: ClinVar variation 1969489 (VCV001969489.5), dbSNP rs1715456625, ClinGen allele CA356143671.
Genomic context (GRCh38, chr4:5,618,672, plus strand): 5'-AGCCATGGACCTCCTGCCTCATCCTGAGCAGCTCCTCTTCAGACAGGGAGAAGACTGAGG[A>G]GCAGAGCTTCCTGGGAGGAAGAACAGAGACACACTCTTAACACAGAGAAAGCCTGGGGGC-3'
Protein context (NP_667338.3, residues 828-848): WEHLIFMKLC[Ser838Pro]SVFSLSEEEL

ClinVar aggregate classification (germline): Uncertain significance (1 of 4 stars; one submission).

Conditions:
Ellis-van Creveld syndrome (EVC). Also called: EVC-Related Ellis-van Creveld Syndrome; EVC2-Related Ellis-van Creveld Syndrome; Chondroectodermal dysplasia; MESOECTODERMAL DYSPLASIA. Identifiers: Orphanet 289, MedGen C0013903, MONDO:0009162, OMIM 225500.
Curry-Hall syndrome (WAD). Also called: WEYERS ACRODENTAL DYSOSTOSIS. Identifiers: Orphanet 952, MedGen C0457013, MONDO:0008673, OMIM 193530.

Allele frequency attached by ClinVar (database versions not stated): gnomAD exomes below 0.00001.
gnomAD v4.1: 1 of 1,600,036 alleles (0.000062%); highest among the groups gnomAD compares: African/African-American, 0.0013%; no homozygotes.

Submission:

Labcorp Genetics (formerly Invitae), Labcorp
Classification: Uncertain significance for Curry-Hall syndrome; Ellis-van Creveld syndrome. Last evaluated: 2021-12-20. Review status: criteria provided, single submitter. Criteria: Invitae Variant Classification Sherloc (09022015). Collection method: clinical testing. Allele origin: germline.
Comment: In summary, the available evidence is currently insufficient to determine the role of this variant in disease. Therefore, it has been classified as a Variant of Uncertain Significance. Algorithms developed to predict the effect of missense changes on protein structure and function are either unavailable or do not agree on the potential impact of this missense change (SIFT: "Tolerated"; PolyPhen-2: "Possibly Damaging"; Align-GVGD: "Class C0"). This variant has not been reported in the literature in individuals affected with EVC2-related conditions. This variant is not present in population databases (gnomAD no frequency). This sequence change replaces serine, which is neutral and polar, with proline, which is neutral and non-polar, at codon 838 of the EVC2 protein (p.Ser838Pro).